The following is an entry in ClinVar:

ClinVar aggregate classification (germline): Conflicting classifications of pathogenicity. Review status: criteria provided, conflicting classifications (1 of 4 stars). 2 submissions from 2 submitters: Uncertain significance (1); Likely benign (1). Last evaluated 2025-03-27.

Conditions:
Cornelia de Lange syndrome 1 (CDLS1). Also called: Brachmann de Lange syndrome; NIPBL-Related Cornelia de Lange Syndrome; TYPUS DEGENERATIVUS AMSTELODAMENSIS. Identifiers: Orphanet 199, MedGen C4551851, MONDO:0007387, OMIM 122470.
Inborn genetic diseases. Identifiers: MedGen C0950123, MeSH D030342.

gnomAD v4.1: 4 of 1,613,706 alleles (0.00025%); highest among the groups gnomAD compares: African/African-American, 0.0027%; no homozygotes.

Submissions (2):

Ambry Genetics
Classification: Likely benign for Inborn genetic diseases. Last evaluated: 2025-03-27. Review status: criteria provided, single submitter. Criteria: Ambry Variant Classification Scheme 2023. Collection method: clinical testing. Allele origin: germline.

Labcorp Genetics (formerly Invitae), Labcorp
Classification: Uncertain significance for Cornelia de Lange syndrome 1. Last evaluated: 2025-01-17. Review status: criteria provided, single submitter. Criteria: Invitae Variant Classification Sherloc (09022015). Collection method: clinical testing. Allele origin: germline.
Comment: This sequence change replaces arginine, which is basic and polar, with proline, which is neutral and non-polar, at codon 894 of the NIPBL protein (p.Arg894Pro). This variant is present in population databases (no rsID available, gnomAD 0.004%). This variant has not been reported in the literature in individuals affected with NIPBL-related conditions. Invitae Evidence Modeling of protein sequence and biophysical properties (such as structural, functional, and spatial information, amino acid conservation, physicochemical variation, residue mobility, and thermodynamic stability) has been performed for this missense variant. However, the output from this modeling did not meet the statistical confidence thresholds required to predict the impact of this variant on NIPBL protein function. In summary, the available evidence is currently insufficient to determine the role of this variant in disease. Therefore, it has been classified as a Variant of Uncertain Significance.

NM_133433.4(NIPBL):c.2681G>C (p.Arg894Pro)

Gene: NIPBL (NIPBL cohesin loading factor; plus strand). Cytogenetic location: 5p13.2.
Variant type: single nucleotide variant.
Coding change: c.2681G>C on transcript NM_133433.4 (MANE Select); coding-DNA position 2681, G replaced by C.
Protein change: p.Arg894Pro; replaces arginine 894 with proline.
Molecular consequence: missense variant.
Genome position (GRCh38, 1-based): chr5:36,985,861, G>C. VCF-style: chr5-36985861-G-C. GRCh37 (hg19) VCF-style: chr5-36985963-G-C.
Other names: c.2681G>C (NM_133433.3); c.2681G>C, p.Arg894Pro (NM_015384.5); short protein forms R894P.
Identifiers: ClinVar variation 3637070 (VCV003637070.3).